The following is an entry in ClinVar:

NM_005591.4(MRE11):c.1792G>A (p.Gly598Ser)

Gene: MRE11 (MRE11 double strand break repair nuclease; minus strand). Cytogenetic location: 11q21.
Variant type: single nucleotide variant.
Coding change: c.1792G>A on transcript NM_005591.4 (MANE Select); coding-DNA position 1792, G replaced by A.
Protein change: p.Gly598Ser; replaces glycine 598 with serine.
Molecular consequence: missense variant. On other transcripts: intron variant (1).
Genome position (GRCh38, 1-based): chr11:94,445,885, C>T on the plus strand (G>A on the coding strand, the complement: MRE11 is on the minus strand). VCF-style: chr11-94445885-C-T. GRCh37 (hg19) VCF-style: chr11-94179051-C-T.
Other names: c.1789G>A, p.Gly597Ser (NM_001330347.2); c.1783+1334G>A (NM_005590.4); short protein forms G597S, G598S.
Identifiers: ClinVar variation 820089 (VCV000820089.5), dbSNP rs587781951, ClinGen allele CA226523784.

ClinVar aggregate classification (germline): Uncertain significance (1 of 4 stars; one submission).

Conditions:
Hereditary cancer-predisposing syndrome. Also called: Neoplastic Syndromes, Hereditary; Tumor predisposition; Hereditary Cancer Syndrome; Hereditary neoplastic syndrome. Identifiers: Orphanet 140162, MedGen C0027672, MeSH D009386, MONDO:0015356.

Submission:

Ambry Genetics
Classification: Uncertain significance for Hereditary cancer-predisposing syndrome. Last evaluated: 2025-05-07. Review status: criteria provided, single submitter. Criteria: Ambry Variant Classification Scheme 2023. Collection method: clinical testing. Allele origin: germline.
Comment: The p.G598S variant (also known as c.1792G>A), located in coding exon 15 of the MRE11A gene, results from a G to A substitution at nucleotide position 1792. The glycine at codon 598 is replaced by serine, an amino acid with similar properties. This amino acid position is poorly conserved in available vertebrate species. In addition, this alteration is predicted to be tolerated by in silico analysis. Since supporting evidence is limited at this time, the clinical significance of this alteration remains unclear.